The following is an entry in ClinVar:

NM_001318895.3(FHL2):c.338G>A (p.Arg113His)

Genes: C2orf49 (chromosome 2 open reading frame 49; plus strand), FHL2 (four and a half LIM domains 2; minus strand). Cytogenetic location: 2q12.2.
Variant type: single nucleotide variant.
Coding change: c.338G>A on transcript NM_001318895.3 (MANE Select); coding-DNA position 338, G replaced by A.
Protein change: p.Arg113His; replaces arginine 113 with histidine.
Molecular consequence: missense variant. On other transcripts: 5 prime UTR variant (2).
Genome position (GRCh38, 1-based): chr2:105,367,733, C>T on the plus strand (G>A on the coding strand, the complement: FHL2 is on the minus strand). VCF-style: chr2-105367733-C-T. GRCh37 (hg19) VCF-style: chr2-105984190-C-T.
Other names: c.338G>A, p.Arg113His (NM_001039492.3, NM_001318894.1, NM_001318896.2 and 4 more transcripts); c.-5G>A (NM_001318897.2, NM_001318898.2); c.14G>A, p.Arg5His (NM_001318899.2); short protein forms R113H, R5H.
Identifiers: ClinVar variation 1023608 (VCV001023608.5), dbSNP rs752531815, ClinGen allele CA1814751.

ClinVar aggregate classification (germline): Uncertain significance (1 of 4 stars; one submission).

Conditions:
Primary dilated cardiomyopathy (DCM). Also called: Dilated Cardiomyopathy. Identifiers: Orphanet 217604, MedGen C0007193, MeSH D002311, MONDO:0005021, HP:0001644. Inheritance: Various modes of inheritance.

Allele frequency attached by ClinVar (database versions not stated): TOPMed 0.00002.
gnomAD v4.1: 58 of 1,613,228 alleles (0.0036%); highest among the groups gnomAD compares: Middle Eastern, 0.066%; no homozygotes.

Submission:

Labcorp Genetics (formerly Invitae), Labcorp
Classification: Uncertain significance for Primary dilated cardiomyopathy. Last evaluated: 2026-01-28. Review status: criteria provided, single submitter. Criteria: Invitae Variant Classification Sherloc (09022015). Collection method: clinical testing. Allele origin: germline.
Comment: This sequence change replaces arginine, which is basic and polar, with histidine, which is basic and polar, at codon 113 of the FHL2 protein (p.Arg113His). This variant is present in population databases (rs752531815, gnomAD 0.01%). This variant has not been reported in the literature in individuals affected with FHL2-related conditions. ClinVar contains an entry for this variant (Variation ID: 1023608). Invitae Evidence Modeling of protein sequence and biophysical properties (such as structural, functional, and spatial information, amino acid conservation, physicochemical variation, residue mobility, and thermodynamic stability) indicates that this missense variant is not expected to disrupt FHL2 protein function with a negative predictive value of 80%. In summary, the available evidence is currently insufficient to determine the role of this variant in disease. Therefore, it has been classified as a Variant of Uncertain Significance.